The following is an entry in ClinVar:

ClinVar aggregate classification (germline): Uncertain significance (1 of 4 stars; one submission).

Allele frequency attached by ClinVar (database versions not stated): TOPMed 0.00001; ExAC 0.00004; gnomAD 0.00001; gnomAD exomes 0.00004.
gnomAD v4.1: 58 of 1,614,076 alleles (0.0036%); highest among the groups gnomAD compares: South Asian, 0.019%; no homozygotes.

Submission:

Labcorp Genetics (formerly Invitae), Labcorp
Classification: Uncertain significance. Last evaluated: 2022-08-21. Review status: criteria provided, single submitter. Criteria: Invitae Variant Classification Sherloc (09022015). Collection method: clinical testing. Allele origin: germline.
Comment: This sequence change replaces leucine, which is neutral and non-polar, with arginine, which is basic and polar, at codon 100 of the CD59 protein (p.Leu100Arg). This variant is present in population databases (rs761008545, gnomAD 0.01%). This variant has not been reported in the literature in individuals affected with CD59-related conditions. ClinVar contains an entry for this variant (Variation ID: 1490138). Algorithms developed to predict the effect of missense changes on protein structure and function (SIFT, PolyPhen-2, Align-GVGD) all suggest that this variant is likely to be tolerated. In summary, the available evidence is currently insufficient to determine the role of this variant in disease. Therefore, it has been classified as a Variant of Uncertain Significance.

NM_000611.6(CD59):c.299T>G (p.Leu100Arg)

Gene: CD59 (CD59 molecule (CD59 blood group); minus strand). Cytogenetic location: 11p13.
Variant type: single nucleotide variant.
Coding change: c.299T>G on transcript NM_000611.6 (MANE Select); coding-DNA position 299, T replaced by G.
Protein change: p.Leu100Arg; replaces leucine 100 with arginine.
Molecular consequence: missense variant.
Genome position (GRCh38, 1-based): chr11:33,710,214, A>C on the plus strand (T>G on the coding strand, the complement: CD59 is on the minus strand). VCF-style: chr11-33710214-A-C. GRCh37 (hg19) VCF-style: chr11-33731760-A-C.
Other names: c.299T>G, p.Leu100Arg (NM_001127223.1, NM_001127225.2, NM_001127226.2 and 4 more transcripts); short protein forms L100R.
Identifiers: ClinVar variation 1490138 (VCV001490138.5), dbSNP rs761008545, ClinGen allele CA5940717.
Genomic context (GRCh38, chr11:33,710,214, plus strand): 5'-AGAAATGGAGTCACCAGCAGAAGAACTGTTTTCTCTGATAAGGATGTCCCACCATTTTCA[A>C]GCTGTTCGTTAAAGTTACACAGGTCCTTCTTGCAGCAGTAGTACGTTAGCTCATTTTCCC-3'
Protein context (NP_000602.1, residues 90-110): KKDLCNFNEQ[Leu100Arg]ENGGTSLSEK